The following is an entry in ClinVar:

NM_032043.3(BRIP1):c.484C>T (p.Arg162Ter)

Gene: BRIP1 (BRCA1 interacting DNA helicase 1; minus strand). Cytogenetic location: 17q23.2.
Variant type: single nucleotide variant.
Coding change: c.484C>T on transcript NM_032043.3 (MANE Select); coding-DNA position 484, C replaced by T.
Protein change: p.Arg162Ter; replaces arginine 162 with a stop codon.
Molecular consequence: nonsense.
Genome position (GRCh38, 1-based): chr17:61,849,152, G>A on the plus strand (C>T on the coding strand, the complement: BRIP1 is on the minus strand). VCF-style: chr17-61849152-G-A. GRCh37 (hg19) VCF-style: chr17-59926513-G-A.
Other names: short protein forms R162*.
Identifiers: ClinVar variation 186411 (VCV000186411.56), dbSNP rs747604569, ClinGen allele CA194744.

ClinVar aggregate classification (germline): Pathogenic/Likely pathogenic. Review status: criteria provided, multiple submitters, no conflicts (2 of 4 stars). 16 submissions from 16 submitters: Pathogenic (13); Likely pathogenic (2). 1 of the submissions does not count toward it. Last evaluated 2026-01-21.

Conditions:
BRIP1-related disorder. Also called: BRIP1-related condition; BRIP1-related disorders. Identifiers: MedGen CN239206.
Gastric cancer. Also called: Malignant tumor of stomach; Stomach cancer. Identifiers: MedGen C0024623, MeSH D013274, MONDO:0001056, OMIM 613659, HP:0012126.
Hereditary cancer-predisposing syndrome. Also called: Neoplastic Syndromes, Hereditary; Tumor predisposition; Hereditary neoplastic syndrome; Hereditary Cancer Syndrome. Identifiers: Orphanet 140162, MedGen C0027672, MeSH D009386, MONDO:0015356.
Familial cancer of breast. Also called: Hereditary breast cancer; BREAST CANCER, FAMILIAL; hereditary breast carcinoma. Identifiers: Orphanet 227535, MedGen C0346153, MONDO:0016419, OMIM 114480. Disease mechanism: loss of function.
Fanconi anemia complementation group J. Also called: BRIP1-Related Fanconi Anemia. Identifiers: Orphanet 84, MedGen C1836860, MONDO:0012187, OMIM 609054.
Hereditary breast ovarian cancer syndrome. Also called: Hereditary breast and/or ovarian cancer syndrome; Hereditary breast and ovarian cancer syndrome; Hereditary breast and ovarian cancer; Hereditary breast and ovarian cancer syndrome (HBOC); Breast and ovarian cancer; BRCA1- and BRCA2-Associated Hereditary Breast and Ovarian Cancer. Identifiers: Orphanet 145, MedGen C0677776, MeSH D061325, MONDO:0003582. Disease mechanism: loss of function.

Allele frequency attached by ClinVar (database versions not stated): ExAC 0.00001; gnomAD 0.00001; gnomAD exomes 0.00001; TOPMed 0.00002.
gnomAD v4.1: 17 of 1,613,260 alleles (0.0011%); highest among the groups gnomAD compares: Middle Eastern, 0.016%; no homozygotes.

Submissions (16):

Labcorp Genetics (formerly Invitae), Labcorp
Classification: Pathogenic for Familial cancer of breast; Fanconi anemia complementation group J. Last evaluated: 2026-01-21. Review status: criteria provided, single submitter. Criteria: Invitae Variant Classification Sherloc (09022015). Collection method: clinical testing. Allele origin: germline.
Comment: This sequence change creates a premature translational stop signal (p.Arg162*) in the BRIP1 gene. RNA analysis indicates that this premature translational stop signal induces altered splicing and may result in an absent or altered protein product. This variant is present in population databases (rs747604569, gnomAD 0.007%). This premature translational stop signal has been observed in individual(s) with Lynch syndrome (PMID: 25980754). ClinVar contains an entry for this variant (Variation ID: 186411). Studies have shown that this premature translational stop signal results in skipping of exon 5, and produces a non-functional protein and/or introduces a premature termination codon (internal data). For these reasons, this variant has been classified as Pathogenic.

Dasa
Classification: Pathogenic. Last evaluated: 2025-11-24. Review status: criteria provided, single submitter. Criteria: DASA Assertion Criteria. Collection method: clinical testing. Allele origin: germline.
Comment: NM_032043.3(BRIP1):c.484C>T (p.Arg162*) introduces a premature termination codon predicted to result in loss of normal protein function. Loss-of-function is an established mechanism of disease for this gene. This variant has been recurrently observed in individuals with related phenotype (PMID: 31745173; PMID: 30130155; PMID: 31742824; PMID: 32658311). The variant is present at low frequency in population datasets. Based on the available data, this variant is classified as pathogenic.

Ambry Genetics
Classification: Pathogenic for Hereditary cancer-predisposing syndrome. Last evaluated: 2025-08-12. Review status: criteria provided, single submitter. Criteria: Ambry Variant Classification Scheme 2023. Collection method: clinical testing. Allele origin: germline.
Comment: The p.R162* pathogenic mutation (also known as c.484C>T), located in coding exon 4 of the BRIP1 gene, results from a C to T substitution at nucleotide position 484. This changes the amino acid from an arginine to a stop codon within coding exon 4. This alteration is expected to result in loss of function by premature protein truncation or nonsense-mediated mRNA decay. As such, this alteration is interpreted as a disease-causing mutation.

Institute of Human Genetics, University of Leipzig Medical Center
Classification: Pathogenic for Familial cancer of breast. Last evaluated: 2025-07-07. Review status: criteria provided, single submitter. Criteria: ACMG Guidelines, 2015. Collection method: clinical testing. Allele origin: unknown. Affected: yes.
Comment: Criteria applied: PVS1,PS4_MOD

PreventionGenetics, part of Exact Sciences
Classification: Pathogenic for BRIP1-related condition. Last evaluated: 2025-04-23. Review status: criteria provided, single submitter. Criteria: ACMG Guidelines, 2015. Collection method: clinical testing. Allele origin: germline.
Comment: The BRIP1 c.484C>T variant is predicted to result in premature protein termination (p.Arg162*). This variant has been reported in an individual with a personal history of colorectal cancer (Akcay et al. 2020. PubMed ID: 32658311). This variant has also been reported in individuals with a personal and/or family history of breast cancer (Zheng et al. 2018. PubMed ID: 30130155; Shao et al. 2019. PubMed ID: 31742824). This variant is reported in 0.0062% of alleles in individuals of African descent in gnomAD, and is interpreted as pathogenic in ClinVar. Nonsense variants in BRIP1 are considered pathogenic. In summary, this variant is interpreted as pathogenic.

GeneDx
Classification: Pathogenic. Last evaluated: 2024-11-11. Review status: criteria provided, single submitter. Criteria: GeneDx Variant Classification Process June 2021. Collection method: clinical testing. Allele origin: germline. Affected: yes.
Comment: Nonsense variant predicted to result in protein truncation or nonsense mediated decay in a gene for which loss of function is a known mechanism of disease; Not observed at significant frequency in large population cohorts (gnomAD); This variant is associated with the following publications: (PMID: 35734982, 36243179, 25980754, 32658311, 31214711, 31742824, 25646469, 32829589, 29922827, 32756499, 30130155)

Quest Diagnostics Nichols Institute San Juan Capistrano
Classification: Pathogenic. Last evaluated: 2024-09-20. Review status: criteria provided, single submitter. Criteria: Quest Diagnostics criteria. Collection method: clinical testing. Allele origin: unknown.
Comment: The BRIP1 c.484C>T (p.Arg162*) variant causes the premature termination of BRIP1 protein synthesis. This variant has been reported in the published literature in individuals with breast and/or ovarian cancer (PMID: 35734982 (2022), 33471991 (2021), 31742824 (2020), 30130155 (2018), see also LOVD), prostate cancer (PMID: 31214711 (2020)), colorectal cancer (PMID: 32658311 (2021)), and a Lynch syndrome associated cancer and/or polyps (PMID: 25980754 (2018)). This variant has also been observed in reportedly healthy individuals (PMID: 36243179 (2022)). The frequency of this variant in the general population, 0.000008 (2/251320 chromosomes (Genome Aggregation Database)), is consistent with pathogenicity. Based on the available information, this variant is classified as pathogenic.

Color Diagnostics, LLC DBA Color Health
Classification: Pathogenic for Hereditary cancer-predisposing syndrome. Last evaluated: 2024-08-06. Review status: criteria provided, single submitter. Criteria: ACMG Guidelines, 2015. Collection method: clinical testing. Allele origin: germline.
Comment: This variant changes 1 nucleotide in exon 5 of the BRIP1 gene, creating a premature translation stop signal. This variant is expected to result in an absent or non-functional protein product. This variant has been reported in individuals affected with ovarian cancer, breast cancer, melanoma, and Lynch syndrome-associated cancer and/or polyps (PMID: 25980754, 31745173, 32756499, 35734982). This variant has also been identified in 2/251320 chromosomes in the general population by the Genome Aggregation Database (gnomAD). Loss of BRIP1 function is a known mechanism of disease. Based on the available evidence, this variant is classified as Pathogenic.

Fulgent Genetics
Classification: Pathogenic for Familial cancer of breast; Fanconi anemia complementation group J. Last evaluated: 2024-02-01. Review status: criteria provided, single submitter. Criteria: ACMG Guidelines, 2015. Collection method: clinical testing. Allele origin: germline.

Baylor Genetics
Classification: Pathogenic for Familial cancer of breast. Last evaluated: 2024-01-24. Review status: criteria provided, single submitter. Criteria: ACMG Guidelines, 2015. Collection method: clinical testing. Allele origin: unknown.

Myriad Genetics, Inc.
Classification: Pathogenic for Familial cancer of breast. Last evaluated: 2023-05-31. Review status: criteria provided, single submitter. Criteria: Myriad Autosomal Dominant, Autosomal Recessive and X-Linked Classification Criteria (2023). Collection method: clinical testing. Allele origin: unknown.
Comment: This variant is considered pathogenic. This variant creates a termination codon and is predicted to result in premature protein truncation.

Blueprint Genetics
Classification: Likely pathogenic for BRIP1-related disorders. Last evaluated: 2022-03-21. Review status: criteria provided, single submitter. Criteria: ACMG Guidelines, 2015. Collection method: clinical testing. Allele origin: germline. Affected: yes. Observed: 2 variant alleles.

Revvity Omics, Revvity
Classification: Pathogenic for Fanconi anemia complementation group J. Last evaluated: 2019-03-26. Review status: criteria provided, single submitter. Criteria: ACMG Guidelines, 2015. Collection method: clinical testing. Allele origin: germline.

Women's Health and Genetics/Laboratory Corporation of America, LabCorp
Classification: Likely pathogenic for Hereditary breast ovarian cancer syndrome. Last evaluated: 2016-06-06. Review status: criteria provided, single submitter. Criteria: LabCorp Variant Classification Summary - May 2015. Collection method: clinical testing. Allele origin: germline.
Comment: Variant summary: The BRIP1 c.484C>T (p.Arg162X) variant results in a premature termination codon, predicted to cause a truncated or absent BRIP1 protein due to nonsense mediated decay, which are commonly known mechanisms for disease. Truncations downstream of this position have been classified as pathogenic by our laboratory (e.g.c.1871C>A/p.S624X). One in silico tool predicts a damaging outcome for this variant. This variant was found in 1/121388 control chromosomes at a frequency of 0.0000082, which does not exceed the estimated maximal expected allele frequency of a pathogenic BRIP1 variant (0.0000625). This variant has been reported in one suspected LS patient and B cell lymphoma sample. In addition, multiple clinical diagnostic laboratories classified this variant as pathogenic, without evidence to independently evaluate. Taken together, this variant is classified as likely pathogenic until more information becomes available.

Genesis Genomics
Classification: Pathogenic for Familial cancer of breast. Review status: criteria provided, single submitter. Criteria: ACMG Guidelines, 2015. Collection method: clinical testing. Allele origin: germline. Affected: yes. Observed: 1 variant allele.

Laboratory for Genotyping Development, RIKEN
Classification: Pathogenic for Gastric cancer. Last evaluated: 2021-07-01. Review status: no assertion criteria provided. Collection method: research. Allele origin: germline. Not counted in ClinVar's aggregate classification.

Literature cited by the submitters: PubMed 25980754 (cited by 4 submitters); PubMed 31745173 (cited by Dasa and Color Diagnostics, LLC DBA Color Health); PubMed 30130155 (cited by Dasa and Quest Diagnostics Nichols Institute San Juan Capistrano); PubMed 31742824 (cited by Dasa and Quest Diagnostics Nichols Institute San Juan Capistrano); PubMed 32658311 (cited by Dasa and Quest Diagnostics Nichols Institute San Juan Capistrano); PubMed 35734982 (cited by Quest Diagnostics Nichols Institute San Juan Capistrano and Color Diagnostics, LLC DBA Color Health); PubMed 31214711 (cited by Quest Diagnostics Nichols Institute San Juan Capistrano); PubMed 36243179 (cited by Quest Diagnostics Nichols Institute San Juan Capistrano); PubMed 33471991 (cited by Quest Diagnostics Nichols Institute San Juan Capistrano); PubMed 32756499 (cited by Color Diagnostics, LLC DBA Color Health); PubMed 25646469 (cited by Women's Health and Genetics/Laboratory Corporation of America, LabCorp); PubMed 36988593 (cited by Laboratory for Genotyping Development, RIKEN).